The following is an entry in ClinVar:

ClinVar aggregate classification (germline): Uncertain significance (1 of 4 stars; one submission).

Conditions:
Leigh syndrome (NULS). Also called: Leigh's necrotizing encephalopathy; Leigh's disease; Leigh Syndrome (mtDNA deletion); Leigh Disease; Subacute necrotizing encephalopathy; Necrotizing encephalopathy infantile subacute of Leigh. Identifiers: Orphanet 506, MedGen C2931891, MONDO:0009723, OMIM 256000.

Submission:

Wong Mito Lab, Molecular and Human Genetics, Baylor College of Medicine
Classification: Uncertain significance for Leigh syndrome. Last evaluated: 2019-10-17. Review status: criteria provided, single submitter. Criteria: Modified ACMG Guidelines (Unpublished). Collection method: clinical testing. Allele origin: germline.
Comment: The NC_012920.1:m.10159C>A (YP_003024033.1:p.Ser34Tyr) variant in MTND3 gene is interpretated to be a Uncertain Significance variant based on the modified ACMG guidelines (unpublished). This variant meets the following evidence codes: PM9, PP6

NC_012920.1(MT-ND3):m.10159C>A

Gene: MT-ND3 (mitochondrially encoded NADH dehydrogenase 3; plus strand).
Variant type: single nucleotide variant.
Genome position: chrM-10159-C-A.
Identifiers: ClinVar variation 693268 (VCV000693268.1), dbSNP rs1603222701, ClinGen allele CA414804402.
Genomic context (GRCh38, chrMT:10,159, plus strand): 5'-CCTTACTACTAATAATTATTACATTTTGACTACCACAACTCAACGGCTACATAGAAAAAT[C>A]CACCCCTTACGAGTGCGGCTTCGACCCTATATCCCCCGCCCGCGTCCCTTTCTCCATAAA-3'